The following is an entry in ClinVar:

ClinVar aggregate classification (germline): Uncertain significance (1 of 4 stars; one submission).

Conditions:
Inborn genetic diseases. Identifiers: MedGen C0950123, MeSH D030342.

Submission:

Ambry Genetics
Classification: Uncertain significance for Inborn genetic diseases. Last evaluated: 2025-06-06. Review status: criteria provided, single submitter. Criteria: Ambry Variant Classification Scheme 2023. Collection method: clinical testing. Allele origin: germline.
Comment: The p.K435E variant (also known as c.1303A>G), located in coding exon 11 of the CEP57 gene, results from an A to G substitution at nucleotide position 1303. The lysine at codon 435 is replaced by glutamic acid, an amino acid with similar properties. This amino acid position is conserved. In addition, this alteration is predicted to be tolerated by in silico analysis. Based on the available evidence, the clinical significance of this variant remains unclear.

NM_014679.5(CEP57):c.1303A>G (p.Lys435Glu)

Gene: CEP57 (centrosomal protein 57; plus strand). Cytogenetic location: 11q21.
Variant type: single nucleotide variant.
Coding change: c.1303A>G on transcript NM_014679.5 (MANE Select); coding-DNA position 1303, A replaced by G.
Protein change: p.Lys435Glu; replaces lysine 435 with glutamic acid.
Molecular consequence: missense variant.
Genome position (GRCh38, 1-based): chr11:95,831,056, A>G. VCF-style: chr11-95831056-A-G. GRCh37 (hg19) VCF-style: chr11-95564220-A-G.
Other names: c.1276A>G, p.Lys426Glu (NM_001243776.2); c.1225A>G, p.Lys409Glu (NM_001243777.2); c.1222A>G, p.Lys408Glu (NM_001363604.2); short protein forms K435E, K408E, K426E, K409E.
Identifiers: ClinVar variation 4001078 (VCV004001078.1).